The following is an entry in ClinVar:

ClinVar aggregate classification (germline): Uncertain significance (1 of 4 stars; one submission).

Submission:

Labcorp Genetics (formerly Invitae), Labcorp
Classification: Uncertain significance. Last evaluated: 2022-01-29. Review status: criteria provided, single submitter. Criteria: Invitae Variant Classification Sherloc (09022015). Collection method: clinical testing. Allele origin: germline.
Comment: In summary, the available evidence is currently insufficient to determine the role of this variant in disease. Therefore, it has been classified as a Variant of Uncertain Significance. Algorithms developed to predict the effect of missense changes on protein structure and function (SIFT, PolyPhen-2, Align-GVGD) all suggest that this variant is likely to be disruptive. This variant has not been reported in the literature in individuals affected with DRP2-related conditions. This variant is not present in population databases (gnomAD no frequency). This sequence change replaces arginine, which is basic and polar, with cysteine, which is neutral and slightly polar, at codon 869 of the DRP2 protein (p.Arg869Cys).

NM_001939.3(DRP2):c.2605C>T (p.Arg869Cys)

Gene: DRP2 (dystrophin related protein 2; plus strand). Cytogenetic location: Xq22.1.
Variant type: single nucleotide variant.
Coding change: c.2605C>T on transcript NM_001939.3 (MANE Select); coding-DNA position 2605, C replaced by T.
Protein change: p.Arg869Cys; replaces arginine 869 with cysteine.
Molecular consequence: missense variant.
Genome position (GRCh38, 1-based): chrX:101,258,523, C>T. VCF-style: chrX-101258523-C-T. GRCh37 (hg19) VCF-style: chrX-100513512-C-T.
Other names: c.2371C>T, p.Arg791Cys (NM_001171184.2); short protein forms R869C, R791C.
Identifiers: ClinVar variation 2091080 (VCV002091080.4), dbSNP rs1243984694, ClinGen allele CA413911147.